The following is an entry in ClinVar:

ClinVar aggregate classification (germline): Benign (1 of 4 stars; one submission).

Submission:

CeGaT Center for Human Genetics Tuebingen
Classification: Benign. Last evaluated: 2024-07-01. Review status: criteria provided, single submitter. Criteria: CeGaT Center For Human Genetics Tuebingen Variant Classification Criteria Version 2. Collection method: clinical testing. Allele origin: germline. Affected: yes. Observed: 1 variant allele.
Comment: USP6: BS1, BS2

NM_001304284.2(USP6):c.2079_2080del (p.Cys694fs)

Gene: USP6 (ubiquitin specific peptidase 6; plus strand). Cytogenetic location: 17p13.2.
Variant type: Deletion.
Coding change: c.2079_2080del on transcript NM_001304284.2 (MANE Select); coding-DNA positions 2079 to 2080, 2 bases deleted (AT; older notation c.2079_2080delAT).
Protein change: p.Cys694fs; shifts the reading frame from cysteine 694.
Molecular consequence: frameshift variant.
Genome position (GRCh38, 1-based): chr17:5,145,491-5,145,492, AT deleted. VCF-style (leftmost placement, unchanged base first): chr17-5145490-CAT-C. GRCh37 (hg19) VCF-style: chr17-5048785-CAT-C.
Other names: c.2079_2080del, p.Cys694fs (NM_004505.4); short protein forms C694fs.
Identifiers: ClinVar variation 3257708 (VCV003257708.17).